The following is an entry in ClinVar:

NM_014629.4(ARHGEF10):c.193+6T>G

Gene: ARHGEF10 (Rho guanine nucleotide exchange factor 10; plus strand). Cytogenetic location: 8p23.3.
Variant type: single nucleotide variant.
Coding change: c.193+6T>G on transcript NM_014629.4 (MANE Select); 6 bases into the intron after coding-DNA position 193, T replaced by G.
Molecular consequence: intron variant.
Genome position (GRCh38, 1-based): chr8:1,858,121, T>G. VCF-style: chr8-1858121-T-G. GRCh37 (hg19) VCF-style: chr8-1806287-T-G.
Other names: c.193+6T>G (NM_001438092.1, NM_001438091.1, NM_001308152.2 and 3 more transcripts).
Identifiers: ClinVar variation 3020725 (VCV003020725.3), dbSNP rs777671041, ClinGen allele CA4599621.

ClinVar aggregate classification (germline): Uncertain significance (1 of 4 stars; one submission).

Allele frequency attached by ClinVar (database versions not stated): TOPMed below 0.00001.
gnomAD v4.1: 6 of 1,612,224 alleles (0.00037%); highest among the groups gnomAD compares: Admixed American, 0.01%; no homozygotes.

Submission:

Labcorp Genetics (formerly Invitae), Labcorp
Classification: Uncertain significance. Last evaluated: 2022-12-15. Review status: criteria provided, single submitter. Criteria: Invitae Variant Classification Sherloc (09022015). Collection method: clinical testing. Allele origin: germline.
Comment: In summary, the available evidence is currently insufficient to determine the role of this variant in disease. Therefore, it has been classified as a Variant of Uncertain Significance. Variants that disrupt the consensus splice site are a relatively common cause of aberrant splicing (PMID: 17576681, 9536098). Algorithms developed to predict the effect of sequence changes on RNA splicing suggest that this variant is not likely to affect RNA splicing. This variant has not been reported in the literature in individuals affected with ARHGEF10-related conditions. This variant is present in population databases (rs777671041, gnomAD 0.01%). This sequence change falls in intron 3 of the ARHGEF10 gene. It does not directly change the encoded amino acid sequence of the ARHGEF10 protein. It affects a nucleotide within the consensus splice site.

Literature cited by the submitters: PubMed 17576681; PubMed 9536098.